The following is an entry in ClinVar:

NM_014053.4(FLVCR1):c.1049C>T (p.Ser350Leu)

Gene: FLVCR1 (FLVCR choline and heme transporter 1; plus strand). Cytogenetic location: 1q32.3.
Variant type: single nucleotide variant.
Coding change: c.1049C>T on transcript NM_014053.4 (MANE Select); coding-DNA position 1049, C replaced by T.
Protein change: p.Ser350Leu; replaces serine 350 with leucine.
Molecular consequence: missense variant.
Genome position (GRCh38, 1-based): chr1:212,883,395, C>T. VCF-style: chr1-212883395-C-T. GRCh37 (hg19) VCF-style: chr1-213056737-C-T.
Other names: short protein forms S350L.
Identifiers: ClinVar variation 1950781 (VCV001950781.5), dbSNP rs2464484081, ClinGen allele CA344792218.

ClinVar aggregate classification (germline): Uncertain significance (1 of 4 stars; one submission).

Submission:

Labcorp Genetics (formerly Invitae), Labcorp
Classification: Uncertain significance. Last evaluated: 2022-06-15. Review status: criteria provided, single submitter. Criteria: Invitae Variant Classification Sherloc (09022015). Collection method: clinical testing. Allele origin: germline.
Comment: In summary, the available evidence is currently insufficient to determine the role of this variant in disease. Therefore, it has been classified as a Variant of Uncertain Significance. Algorithms developed to predict the effect of missense changes on protein structure and function are either unavailable or do not agree on the potential impact of this missense change (SIFT: "Deleterious"; PolyPhen-2: "Possibly Damaging"; Align-GVGD: "Class C15"). This variant has not been reported in the literature in individuals affected with FLVCR1-related conditions. This variant is not present in population databases (gnomAD no frequency). This sequence change replaces serine, which is neutral and polar, with leucine, which is neutral and non-polar, at codon 350 of the FLVCR1 protein (p.Ser350Leu).